The following is an entry in ClinVar:

ClinVar aggregate classification (germline): Uncertain significance (1 of 4 stars; one submission).

Conditions:
Nephronophthisis. Also called: Juvenile Nephronophthisis. Identifiers: Orphanet 655, MedGen C0687120, MONDO:0019005, HP:0000090.
Meckel-Gruber syndrome. Also called: DYSENCEPHALIA SPLANCHNOCYSTICA; GRUBER SYNDROME; Dysencephalia splachnocystica. Identifiers: Orphanet 564, MedGen C0265215, MONDO:0018921.
Joubert syndrome. Also called: CEREBELLOPARENCHYMAL DISORDER IV; JOUBERT-BOLTSHAUSER SYNDROME; Familial aplasia of the vermis. Identifiers: Orphanet 475, MedGen C5979921, MONDO:0018772.

Allele frequency attached by ClinVar (database versions not stated): gnomAD exomes 0.00001.
gnomAD v4.1: 4 of 1,562,292 alleles (0.00026%); highest among the groups gnomAD compares: Non-Finnish European, 0.00035%; no homozygotes.

Submission:

Labcorp Genetics (formerly Invitae), Labcorp
Classification: Uncertain significance for Joubert syndrome; Meckel-Gruber syndrome; Nephronophthisis. Last evaluated: 2021-09-01. Review status: criteria provided, single submitter. Criteria: Invitae Variant Classification Sherloc (09022015). Collection method: clinical testing. Allele origin: germline.
Comment: This sequence change replaces alanine with glycine at codon 1171 of the CEP290 protein (p.Ala1171Gly). The alanine residue is moderately conserved and there is a small physicochemical difference between alanine and glycine. This variant is not present in population databases (ExAC no frequency). This variant has not been reported in the literature in individuals affected with CEP290-related conditions. Algorithms developed to predict the effect of missense changes on protein structure and function (SIFT, PolyPhen-2, Align-GVGD) all suggest that this variant is likely to be tolerated. In summary, the available evidence is currently insufficient to determine the role of this variant in disease. Therefore, it has been classified as a Variant of Uncertain Significance.

NM_025114.4(CEP290):c.3512C>G (p.Ala1171Gly)

Gene: CEP290 (centrosomal protein 290; minus strand). Cytogenetic location: 12q21.32.
Variant type: single nucleotide variant.
Coding change: c.3512C>G on transcript NM_025114.4 (MANE Select); coding-DNA position 3512, C replaced by G.
Protein change: p.Ala1171Gly; replaces alanine 1171 with glycine.
Molecular consequence: missense variant.
Genome position (GRCh38, 1-based): chr12:88,090,789, G>C on the plus strand (C>G on the coding strand, the complement: CEP290 is on the minus strand). VCF-style: chr12-88090789-G-C. GRCh37 (hg19) VCF-style: chr12-88484566-G-C.
Other names: short protein forms A1171G.
Identifiers: ClinVar variation 1501039 (VCV001501039.5), dbSNP rs1183095802, ClinGen allele CA386002002.